The following is an entry in ClinVar:

ClinVar aggregate classification (germline): Conflicting classifications of pathogenicity. Review status: criteria provided, conflicting classifications (1 of 4 stars). 7 submissions from 5 submitters: Uncertain significance (3); Benign (1); Likely benign (3). Last evaluated 2026-07-14.

Conditions:
CRB1-related disorder. Also called: CRB1-related condition; CRB1-related disorders.
Retinitis pigmentosa (RP). Identifiers: Orphanet 791, MedGen C0035334, MeSH D012174, MONDO:0019200, OMIM 268000. Inheritance: Autosomal dominant, autosomal recessive and X linked inheritance.
Leber congenital amaurosis 8 (LCA8). Identifiers: Orphanet 65, MedGen C3151202, MONDO:0013453, OMIM 613835.
Retinitis pigmentosa 12 (RP12). Also called: RP WITH OR WITHOUT PPRPE; RP WITH OR WITHOUT PRESERVED PARAARTERIOLE RETINAL PIGMENT EPITHELIUM; RETINITIS PIGMENTOSA WITH OR WITHOUT PARAARTERIOLAR PRESERVATION OF RETINAL PIGMENT EPITHELIUM. Identifiers: Orphanet 791, MedGen C1838647, MONDO:0010818, OMIM 600105.
Pigmented paravenous retinochoroidal atrophy. Identifiers: Orphanet 251295, MedGen C1868310, MONDO:0008246, OMIM 172870.

Allele frequency attached by ClinVar (database versions not stated): ESP Exome Variant Server 0.00008; gnomAD exomes 0.00008 and 0.00012; ExAC 0.00011; TOPMed 0.00013; gnomAD 0.00014; 1000 Genomes Project 30x 0.00016.
gnomAD v4.1: 150 of 1,605,450 alleles (0.0093%); highest among the groups gnomAD compares: Middle Eastern, 0.05%; no homozygotes.

Submissions (7):

PreventionGenetics, part of Exact Sciences
Classification: Uncertain significance for CRB1-related condition. Last evaluated: 2026-07-14. Review status: criteria provided, single submitter. Criteria: ACMG Guidelines, 2015. Collection method: clinical testing. Allele origin: germline.
Comment: The CRB1 c.1192G>A variant is predicted to result in the amino acid substitution p.Val398Ile. To our knowledge, this variant has not been reported in the literature. This variant is reported in 0.11% of alleles in individuals of Ashkenazi Jewish descent in gnomAD, which may be too frequent to be a primary cause of disease. Although we suspect that this variant may be benign, at this time, the clinical significance of this variant is uncertain due to the absence of conclusive functional and genetic evidence.

Labcorp Genetics (formerly Invitae), Labcorp
Classification: Likely benign for Leber congenital amaurosis 8; Retinitis pigmentosa 12. Last evaluated: 2025-11-02. Review status: criteria provided, single submitter. Criteria: Invitae Variant Classification Sherloc (09022015). Collection method: clinical testing. Allele origin: germline.

Blueprint Genetics
Classification: Likely benign. Last evaluated: 2024-06-11. Review status: criteria provided, single submitter. Criteria: ACMG Guidelines, 2015. Collection method: clinical testing. Allele origin: germline.

Illumina Laboratory Services, Illumina
Classification: Uncertain significance for Retinitis pigmentosa. Last evaluated: 2018-01-13. Review status: criteria provided, single submitter. Criteria: ICSL Variant Classification Criteria 13 December 2019. Collection method: clinical testing. Allele origin: germline.

Illumina Laboratory Services, Illumina
Classification: Benign for Pigmented paravenous retinochoroidal atrophy. Last evaluated: 2018-01-13. Review status: criteria provided, single submitter. Criteria: ICSL Variant Classification Criteria 13 December 2019. Collection method: clinical testing. Allele origin: germline.
Comment: This variant was observed in the ICSL laboratory as part of a predisposition screen in an ostensibly healthy population. It had not been previously curated by ICSL or reported in the Human Gene Mutation Database (HGMD: prior to June 1st, 2018), and was therefore a candidate for classification through an automated scoring system. Utilizing variant allele frequency, disease prevalence and penetrance estimates, and inheritance mode, an automated score was calculated to assess if this variant is too frequent to cause the disease. Based on the score and internal cut-off values, a variant classified as benign is not then subjected to further curation. The score for this variant resulted in a classification of benign for this disease.

Illumina Laboratory Services, Illumina
Classification: Uncertain significance for Leber congenital amaurosis 8. Last evaluated: 2018-01-13. Review status: criteria provided, single submitter. Criteria: ICSL Variant Classification Criteria 13 December 2019. Collection method: clinical testing. Allele origin: germline.

GeneDx
Classification: Likely benign. Last evaluated: 2017-04-27. Review status: criteria provided, single submitter. Criteria: GeneDx Variant Classification (06012015). Collection method: clinical testing. Allele origin: germline. Affected: yes.
Comment: This variant is considered likely benign or benign based on one or more of the following criteria: it is a conservative change, it occurs at a poorly conserved position in the protein, it is predicted to be benign by multiple in silico algorithms, and/or has population frequency not consistent with disease.

NM_201253.3(CRB1):c.1192G>A (p.Val398Ile)

Gene: CRB1 (crumbs cell polarity complex component 1; plus strand). Cytogenetic location: 1q31.3.
Variant type: single nucleotide variant.
Coding change: c.1192G>A on transcript NM_201253.3 (MANE Select); coding-DNA position 1192, G replaced by A.
Protein change: p.Val398Ile; replaces valine 398 with isoleucine.
Molecular consequence: missense variant. On other transcripts: non-coding transcript variant (2).
Genome position (GRCh38, 1-based): chr1:197,421,020, G>A. VCF-style: chr1-197421020-G-A. GRCh37 (hg19) VCF-style: chr1-197390150-G-A.
Other names: c.856G>A, p.Val286Ile (NM_001193640.2); c.985G>A, p.Val329Ile (NM_001257965.2); c.1192G>A, p.Val398Ile (NM_001257966.2); short protein forms V398I, V329I, V286I.
Identifiers: ClinVar variation 509105 (VCV000509105.14), dbSNP rs144011428, ClinGen allele CA1311884.